The following is an entry in ClinVar:

ClinVar aggregate classification (germline): Uncertain significance (3 of 4 stars; one submission).

Conditions:
Open-angle glaucoma. Identifiers: MedGen C0017612, MONDO:0005338, HP:0012108.

Submission:

ClinGen Glaucoma Variant Curation Expert Panel
Classification: Uncertain significance for Open-angle glaucoma. Last evaluated: 2025-12-03. Review status: reviewed by expert panel. Criteria: ClinGen Glaucoma ACMG Specifications V2.0.0 Approved. Collection method: curation. Allele origin: germline. Inheritance: Autosomal dominant inheritance.
Comment: The c.284T>C variant in MYOC is a missense variant predicted to cause substitution of Leucine by Proline at amino acid 95 (p.Leu95Pro). This variant was not found in any genetic ancestry group of gnomAD (v4.1.0), meeting the ≤ 0.0001 threshold set for PM2_Supporting in a genetic ancestry group of at least 10,000 alleles. The REVEL score = 0.299, which was neither above nor below the thresholds for PP3 (≥ 0.644) or BP4 (≤ 0.290), predicting a damaging or benign impact on MYOC function. The Leu95Pro protein had similar secretion levels to wild type myocilin protein in this study (PMID: 16466712). The assay met the OddsPath threshold for BS3_Moderate (< 0.23), indicating that this variant did not impact protein function. This variant has not yet been identified in a proband with juvenile or primary open angle glaucoma, only in participants of the control cohorts, thus PS4 did not apply. In summary, this variant met the criteria to receive a score of -1 and to be classified as a variant of uncertain significance (uncertain significance classification range -1 to 5, adapted from PMID: 32720330) for primary open angle glaucoma based on the ACMG/AMP criteria met, as specified by the ClinGen Glaucoma VCEP (v2.0.0, 5 Dec 2024): BS3_Moderate, PM2_Supporting.

Literature cited by the submitters: PubMed 16466712.

NM_000261.2(MYOC):c.284T>C (p.Leu95Pro)

Gene: MYOC (myocilin; minus strand). Cytogenetic location: 1q24.3.
Variant type: single nucleotide variant.
Coding change: c.284T>C on transcript NM_000261.2 (MANE Select); coding-DNA position 284, T replaced by C.
Protein change: p.Leu95Pro; replaces leucine 95 with proline.
Molecular consequence: missense variant.
Genome position (GRCh38, 1-based): chr1:171,652,328, A>G on the plus strand (T>C on the coding strand, the complement: MYOC is on the minus strand). VCF-style: chr1-171652328-A-G. GRCh37 (hg19) VCF-style: chr1-171621468-A-G.
Other names: NM_000261.2:c.284T>C; short protein forms L95P.
Identifiers: ClinVar variation 1342195 (VCV001342195.6), dbSNP rs2102951436, ClinGen allele CA343718858.